The following is an entry in ClinVar:

NM_032043.3(BRIP1):c.507+1del

Gene: BRIP1 (BRCA1 interacting DNA helicase 1; minus strand). Cytogenetic location: 17q23.2.
Variant type: Deletion.
Coding change: c.507+1del on transcript NM_032043.3 (MANE Select); the canonical splice donor site of the intron after coding-DNA position 507, one base deleted (G; older notation c.507+1delG).
Molecular consequence: splice donor variant.
Genome position (GRCh38, 1-based): chr17:61,849,128, C deleted on the plus strand (G on the coding strand, the reverse complement: BRIP1 is on the minus strand); the first of 2 consecutive C bases (chr17:61,849,128-61,849,129); deleting either gives the same sequence. VCF-style (leftmost placement, unchanged base first): chr17-61849127-AC-A. GRCh37 (hg19) VCF-style: chr17-59926488-AC-A.
Identifiers: ClinVar variation 2583662 (VCV002583662.2), dbSNP rs2545418342, ClinGen allele CA2582342234.

ClinVar aggregate classification (germline): Likely pathogenic (1 of 4 stars; one submission).

Conditions:
Familial cancer of breast. Also called: Hereditary breast cancer; BREAST CANCER, FAMILIAL; hereditary breast carcinoma. Identifiers: Orphanet 227535, MedGen C0346153, MONDO:0016419, OMIM 114480. Disease mechanism: loss of function.

Submission:

Myriad Genetics, Inc.
Classification: Likely pathogenic for Familial cancer of breast. Last evaluated: 2023-05-31. Review status: criteria provided, single submitter. Criteria: Myriad Autosomal Dominant, Autosomal Recessive and X-Linked Classification Criteria (2023). Collection method: clinical testing. Allele origin: unknown.
Comment: This variant is considered likely pathogenic. This variant occurs within a consensus splice junction and is predicted to result in abnormal mRNA splicing of either an out-of-frame exon or an in-frame exon necessary for protein stability and/or normal function.